The following is an entry in ClinVar:

ClinVar aggregate classification (germline): Uncertain significance (1 of 4 stars; one submission).

gnomAD v4.1: 1 of 1,613,152 alleles (0.000062%); highest among the groups gnomAD compares: South Asian, 0.0011%; no homozygotes.

Submission:

Labcorp Genetics (formerly Invitae), Labcorp
Classification: Uncertain significance. Last evaluated: 2022-08-22. Review status: criteria provided, single submitter. Criteria: Invitae Variant Classification Sherloc (09022015). Collection method: clinical testing. Allele origin: germline.
Comment: This sequence change replaces aspartic acid, which is acidic and polar, with tyrosine, which is neutral and polar, at codon 990 of the SPTBN2 protein (p.Asp990Tyr). This variant is not present in population databases (gnomAD no frequency). In summary, the available evidence is currently insufficient to determine the role of this variant in disease. Therefore, it has been classified as a Variant of Uncertain Significance. Advanced modeling of protein sequence and biophysical properties (such as structural, functional, and spatial information, amino acid conservation, physicochemical variation, residue mobility, and thermodynamic stability) performed at Invitae indicates that this missense variant is expected to disrupt SPTBN2 protein function. This variant has not been reported in the literature in individuals affected with SPTBN2-related conditions.

NM_006946.4(SPTBN2):c.2968G>T (p.Asp990Tyr)

Gene: SPTBN2 (spectrin beta, non-erythrocytic 2; minus strand). Cytogenetic location: 11q13.2.
Variant type: single nucleotide variant.
Coding change: c.2968G>T on transcript NM_006946.4 (MANE Select); coding-DNA position 2968, G replaced by T.
Protein change: p.Asp990Tyr; replaces aspartic acid 990 with tyrosine.
Molecular consequence: missense variant.
Genome position (GRCh38, 1-based): chr11:66,701,131, C>A on the plus strand (G>T on the coding strand, the complement: SPTBN2 is on the minus strand). VCF-style: chr11-66701131-C-A. GRCh37 (hg19) VCF-style: chr11-66468602-C-A.
Other names: c.2989G>T, p.Asp997Tyr (NM_001411025.1); short protein forms D990Y, D997Y.
Identifiers: ClinVar variation 1957666 (VCV001957666.5), dbSNP rs369931847, ClinGen allele CA381476156.